The following is an entry in ClinVar:

NM_021072.4(HCN1):c.2559C>G (p.Asn853Lys)

Gene: HCN1 (hyperpolarization activated cyclic nucleotide gated potassium channel 1; minus strand). Cytogenetic location: 5p12.
Variant type: single nucleotide variant.
Coding change: c.2559C>G on transcript NM_021072.4 (MANE Select); coding-DNA position 2559, C replaced by G.
Protein change: p.Asn853Lys; replaces asparagine 853 with lysine.
Molecular consequence: missense variant.
Genome position (GRCh38, 1-based): chr5:45,262,035, G>C on the plus strand (C>G on the coding strand, the complement: HCN1 is on the minus strand). VCF-style: chr5-45262035-G-C. GRCh37 (hg19) VCF-style: chr5-45262137-G-C.
Other names: p.Asn853Lys; short protein forms N853K.
Identifiers: ClinVar variation 2900770 (VCV002900770.4), dbSNP rs140186173, ClinGen allele CA3259084.

ClinVar aggregate classification (germline): Uncertain significance. Review status: criteria provided, multiple submitters, no conflicts (2 of 4 stars). 2 submissions from 2 submitters: Uncertain significance (2). Last evaluated 2025-07-18.

Conditions:
Early-infantile DEE. Also called: Early infantile epileptic encephalopathy; Ohtahara syndrome; Early infantile epileptic encephalopathy with suppression bursts. Identifiers: Orphanet 1934, MedGen C0393706, MONDO:0800491.

Allele frequency attached by ClinVar (database versions not stated): ExAC 0.00017; ESP Exome Variant Server 0.00008.
gnomAD v4.1: 81 of 1,613,940 alleles (0.005%); highest among the groups gnomAD compares: Non-Finnish European, 0.0065%; no homozygotes.

Submissions (2):

Labcorp Genetics (formerly Invitae), Labcorp
Classification: Uncertain significance for Early-infantile DEE. Last evaluated: 2025-07-18. Review status: criteria provided, single submitter. Criteria: Invitae Variant Classification Sherloc (09022015). Collection method: clinical testing. Allele origin: germline.
Comment: This sequence change replaces asparagine, which is neutral and polar, with lysine, which is basic and polar, at codon 853 of the HCN1 protein (p.Asn853Lys). This variant is present in population databases (rs140186173, gnomAD 0.02%). This missense change has been observed in individual(s) with HCN1-related conditions (PMID: 24747641). ClinVar contains an entry for this variant (Variation ID: 2900770). Invitae Evidence Modeling of protein sequence and biophysical properties (such as structural, functional, and spatial information, amino acid conservation, physicochemical variation, residue mobility, and thermodynamic stability) indicates that this missense variant is not expected to disrupt HCN1 protein function with a negative predictive value of 95%. In summary, the available evidence is currently insufficient to determine the role of this variant in disease. Therefore, it has been classified as a Variant of Uncertain Significance.

Mayo Clinic Laboratories, Mayo Clinic
Classification: Uncertain significance. Last evaluated: 2024-06-14. Review status: criteria provided, single submitter. Criteria: ACMG Guidelines, 2015. Collection method: clinical testing. Allele origin: germline. Observed: 1 variant allele.
Comment: BP4

Literature cited by the submitters: PubMed 24747641 (cited by Labcorp Genetics (formerly Invitae), Labcorp and Mayo Clinic Laboratories, Mayo Clinic).